The following is an entry in ClinVar:

NM_000807.4(GABRA2):c.1059+5642A>C

Gene: GABRA2 (gamma-aminobutyric acid type A receptor subunit alpha2; minus strand). Cytogenetic location: 4p12.
Variant type: single nucleotide variant.
Coding change: c.1059+5642A>C on transcript NM_000807.4 (MANE Select); 5642 bases into the intron after coding-DNA position 1059, A replaced by C.
Molecular consequence: intron variant. On other transcripts: missense variant (4).
Genome position (GRCh38, 1-based): chr4:46,256,284, T>G on the plus strand (A>C on the coding strand, the complement: GABRA2 is on the minus strand). VCF-style: chr4-46256284-T-G. GRCh37 (hg19) VCF-style: chr4-46258301-T-G.
Other names: c.985A>C, p.Ile329Leu (NM_001286827.3); c.1150A>C, p.Ile384Leu (NM_001330690.2, NM_001377144.1, NM_001377145.1); c.894+5642A>C (NM_001377154.1, NM_001377152.1, NM_001377153.1); c.1059+5642A>C (NM_001377146.1, NM_001377150.1, NM_001377147.1 and 4 more transcripts); short protein forms I384L, I329L.
Identifiers: ClinVar variation 2828539 (VCV002828539.3), dbSNP rs2475246107, ClinGen allele CA356803540.

ClinVar aggregate classification (germline): Uncertain significance (1 of 4 stars; one submission).

Submission:

Labcorp Genetics (formerly Invitae), Labcorp
Classification: Uncertain significance. Last evaluated: 2024-05-21. Review status: criteria provided, single submitter. Criteria: Invitae Variant Classification Sherloc (09022015). Collection method: clinical testing. Allele origin: germline.
Comment: This sequence change replaces isoleucine, which is neutral and non-polar, with leucine, which is neutral and non-polar, at codon 384 of the GABRA2 protein (p.Ile384Leu). This variant is not present in population databases (gnomAD no frequency). This variant has not been reported in the literature in individuals affected with GABRA2-related conditions. An algorithm developed to predict the effect of missense changes on protein structure and function (PolyPhen-2) suggests that this variant is likely to be tolerated. In summary, the available evidence is currently insufficient to determine the role of this variant in disease. Therefore, it has been classified as a Variant of Uncertain Significance.